The following is an entry in ClinVar:

ClinVar aggregate classification (germline): Benign/Likely benign. Review status: criteria provided, multiple submitters, no conflicts (2 of 4 stars). 3 submissions from 3 submitters: Benign (2); Likely benign (1). Last evaluated 2022-11-01.

Allele frequency attached by ClinVar (database versions not stated): 1000 Genomes Project 0.00300; 1000 Genomes Project 30x 0.00344; gnomAD 0.00495 and 0.00508; ExAC 0.00520; gnomAD exomes 0.00521 and 0.00675; TOPMed 0.00530; ESP Exome Variant Server 0.00723.
gnomAD v4.1: 10,667 of 1,613,556 alleles (0.66%); highest among the groups gnomAD compares: Middle Eastern, 1.3%; 46 homozygotes.

Submissions (3):

CeGaT Center for Human Genetics Tuebingen
Classification: Likely benign. Last evaluated: 2022-11-01. Review status: criteria provided, single submitter. Criteria: CeGaT Center For Human Genetics Tuebingen Variant Classification Criteria Version 2. Collection method: clinical testing. Allele origin: germline. Affected: yes. Observed: 1 variant allele.
Comment: LIF: BP4, BS2

Laboratory for Molecular Medicine, Mass General Brigham Personalized Medicine
Classification: Benign. Last evaluated: 2016-03-28. Review status: criteria provided, single submitter. Criteria: LMM Criteria. Collection method: clinical testing. Allele origin: germline.
Comment: Variant identified in a genome or exome case(s) and assessed due to predicted null impact of the variant or pathogenic assertions in the literature or databases. Disclaimer: This variant has not undergone full assessment. The following are preliminary notes: MAF

Breakthrough Genomics
Classification: Benign. Review status: criteria provided, single submitter. Criteria: ACMG Guidelines, 2015. Collection method: not provided. Allele origin: germline. Inheritance: Unknown mechanism. Affected: yes.

NM_002309.5(LIF):c.256G>A (p.Val86Met)

Gene: LIF (LIF interleukin 6 family cytokine; minus strand). Cytogenetic location: 22q12.2.
Variant type: single nucleotide variant.
Coding change: c.256G>A on transcript NM_002309.5 (MANE Select); coding-DNA position 256, G replaced by A.
Protein change: p.Val86Met; replaces valine 86 with methionine.
Molecular consequence: missense variant.
Genome position (GRCh38, 1-based): chr22:30,244,004, C>T on the plus strand (G>A on the coding strand, the complement: LIF is on the minus strand). VCF-style: chr22-30244004-C-T. GRCh37 (hg19) VCF-style: chr22-30639993-C-T.
Other names: c.77G>A, p.Arg26His (NM_001257135.2); short protein forms V86M, R26H.
Identifiers: ClinVar variation 403032 (VCV000403032.29), dbSNP rs41281637, ClinGen allele CA10178342.